The following is an entry in ClinVar:

NM_005633.4(SOS1):c.5A>T (p.Gln2Leu)

Genes: SOS1 (SOS Ras/Rac guanine nucleotide exchange factor 1; minus strand), LOC129933535 (ATAC-STARR-seq lymphoblastoid silent region 11384; plus strand). Cytogenetic location: 2p22.1.
Variant type: single nucleotide variant.
Coding change: c.5A>T on transcript NM_005633.4 (MANE Select); coding-DNA position 5, A replaced by T.
Protein change: p.Gln2Leu; replaces glutamine 2 with leucine.
Molecular consequence: missense variant. On other transcripts: intron variant (1).
Genome position (GRCh38, 1-based): chr2:39,120,418, T>A on the plus strand (A>T on the coding strand, the complement: SOS1 is on the minus strand). VCF-style: chr2-39120418-T-A. GRCh37 (hg19) VCF-style: chr2-39347559-T-A.
Other names: c.5A>T, p.Gln2Leu (NM_001382395.1); c.66+4246A>T (NM_001382394.1); short protein forms Q2L.
Identifiers: ClinVar variation 336023 (VCV000336023.8), dbSNP rs886056026, ClinGen allele CA10615444.
Genomic context (GRCh38, chr2:39,120,418, plus strand): 5'-AGTCCCCGCCACTTGGGCGCGTTCTCTTCGCTGAAAAACTCGTAGGGCAGCTGCTGCGCC[T>A]GCATGGTGCCCCCGGGGCGCCTCTGGGCGGGGAGAGGGGCGGCGGCGGCCGGGCCAGGGA-3'
Protein context (NP_005624.2, residues 1-12): M[Gln2Leu]AQQLPYEFFS

ClinVar aggregate classification (germline): Uncertain significance. Review status: criteria provided, multiple submitters, no conflicts (2 of 4 stars). 5 submissions from 3 submitters: Uncertain significance (5). Last evaluated 2019-01-16.

Conditions:
Fibromatosis, gingival, 1 (GINGF1). Identifiers: Orphanet 2024, MedGen C4551558, MONDO:0007609, OMIM 135300.
Noonan syndrome 4 (NS4). Also called: SOS1-Related Noonan Syndrome; NOONAN SYNDROME WITH PIGMENTED VILLONODULAR SYNOVITIS. Identifiers: Orphanet 648, MedGen C1853120, MONDO:0012547, OMIM 610733.
Cardiovascular phenotype. Identifiers: MedGen CN230736.

gnomAD v4.1: 2 of 1,587,824 alleles (0.00013%); highest among the groups gnomAD compares: Non-Finnish European, 0.00017%; no homozygotes.

Submissions (5):

Ambry Genetics
Classification: Uncertain significance for Cardiovascular phenotype. Last evaluated: 2019-01-16. Review status: criteria provided, single submitter. Criteria: Ambry Variant Classification Scheme 2023. Collection method: clinical testing. Allele origin: germline.
Comment: The p.Q2L variant (also known as c.5A>T), located in coding exon 1 of the SOS1 gene, results from an A to T substitution at nucleotide position 5. The glutamine at codon 2 is replaced by leucine, an amino acid with dissimilar properties. This amino acid position is highly conserved in available vertebrate species. In addition, the in silico prediction for this alteration is inconclusive. Since supporting evidence is limited at this time, the clinical significance of this alteration remains unclear.

Illumina Laboratory Services, Illumina
Classification: Uncertain significance for Noonan syndrome 4. Last evaluated: 2018-01-13. Review status: criteria provided, single submitter. Criteria: ICSL Variant Classification Criteria 13 December 2019. Collection method: clinical testing. Allele origin: germline.

Illumina Laboratory Services, Illumina
Classification: Uncertain significance for Fibromatosis, gingival, 1. Last evaluated: 2018-01-13. Review status: criteria provided, single submitter. Criteria: ICSL Variant Classification Criteria 13 December 2019. Collection method: clinical testing. Allele origin: germline.

Genome-Nilou Lab
Classification: Uncertain significance for Noonan syndrome 4. Review status: criteria provided, single submitter. Criteria: ACMG Guidelines, 2015. Collection method: clinical testing. Allele origin: germline.

Genome-Nilou Lab
Classification: Uncertain significance for Fibromatosis, gingival, 1. Review status: criteria provided, single submitter. Criteria: ACMG Guidelines, 2015. Collection method: clinical testing. Allele origin: germline.